The following is an entry in ClinVar:

NM_001130987.2(DYSF):c.2747G>A (p.Gly916Asp)

Gene: DYSF (dysferlin; plus strand). Cytogenetic location: 2p13.2.
Variant type: single nucleotide variant.
Coding change: c.2747G>A on transcript NM_001130987.2 (MANE Select); coding-DNA position 2747, G replaced by A.
Protein change: p.Gly916Asp; replaces glycine 916 with aspartic acid.
Molecular consequence: missense variant.
Genome position (GRCh38, 1-based): chr2:71,568,221, G>A. VCF-style: chr2-71568221-G-A. GRCh37 (hg19) VCF-style: chr2-71795351-G-A.
Other names: c.2696G>A, p.Gly899Asp (NM_001130455.2, NM_001130983.2); c.2651G>A, p.Gly884Asp (NM_001130976.2, NM_001130977.2); c.2693G>A, p.Gly898Asp (NM_001130978.2, NM_003494.4); c.2786G>A, p.Gly929Asp (NM_001130979.2); c.2744G>A, p.Gly915Asp (NM_001130980.2, NM_001130981.2); c.2789G>A, p.Gly930Asp (NM_001130982.2); c.2654G>A, p.Gly885Asp (NM_001130984.2, NM_001130986.2); c.2747G>A, p.Gly916Asp (NM_001130985.2); short protein forms G884D, G899D, G915D, G916D, G929D, G930D, G885D, G898D.
Identifiers: ClinVar variation 1523677 (VCV001523677.3), dbSNP rs749094860, ClinGen allele CA1706277.

ClinVar aggregate classification (germline): Uncertain significance (1 of 4 stars; one submission).

Conditions:
Neuromuscular disease caused by qualitative or quantitative defects of dysferlin. Also called: Dysferlinopathy; Qualitative or quantitative defects of dysferlin. Identifiers: Orphanet 207073, MedGen C2931687, MONDO:0016145.

Allele frequency attached by ClinVar (database versions not stated): gnomAD exomes below 0.00001 and 0.00001; TOPMed below 0.00001; ExAC 0.00001.
gnomAD v4.1: 5 of 1,614,242 alleles (0.00031%); highest among the groups gnomAD compares: Admixed American, 0.0017%; no homozygotes.

Submission:

Labcorp Genetics (formerly Invitae), Labcorp
Classification: Uncertain significance for Neuromuscular disease caused by qualitative or quantitative defects of dysferlin. Last evaluated: 2021-10-16. Review status: criteria provided, single submitter. Criteria: Invitae Variant Classification Sherloc (09022015). Collection method: clinical testing. Allele origin: germline.
Comment: This sequence change replaces glycine with aspartic acid at codon 898 of the DYSF protein (p.Gly898Asp). The glycine residue is moderately conserved and there is a moderate physicochemical difference between glycine and aspartic acid. This variant is present in population databases (rs749094860, ExAC 0.001%). This variant has not been reported in the literature in individuals with DYSF-related conditions. Advanced modeling of protein sequence and biophysical properties (such as structural, functional, and spatial information, amino acid conservation, physicochemical variation, residue mobility, and thermodynamic stability) performed at Invitae indicates that this missense variant is expected to disrupt DYSF protein function. In summary, the available evidence is currently insufficient to determine the role of this variant in disease. Therefore, it has been classified as a Variant of Uncertain Significance.